The following is an entry in ClinVar:

ClinVar aggregate classification (germline): Conflicting classifications of pathogenicity. Review status: criteria provided, conflicting classifications (1 of 4 stars). 9 submissions from 8 submitters: Uncertain significance (1); Likely benign (5). 3 of the submissions do not count toward it. Last evaluated 2025-12-22.

Conditions:
Cutis laxa, autosomal dominant 1 (ADCL1). Also called: ELN-Related Cutis Laxa. Identifiers: Orphanet 90348, MedGen C3276539, MONDO:0007411, OMIM 123700. Disease mechanism: Dominant Negative.
ELN-related disorder.
Supravalvar aortic stenosis (SVAS). Also called: Supravalvar aortic stenosis, Eisenberg type. Identifiers: Orphanet 3193, MedGen C0003499, MONDO:0008504, OMIM 185500, HP:0004381.

Allele frequency attached by ClinVar (database versions not stated): ExAC 0.00021; gnomAD 0.00022 and 0.00024; ESP Exome Variant Server 0.00023; TOPMed 0.00024; gnomAD exomes 0.00025 and 0.00035.
gnomAD v4.1: 536 of 1,614,242 alleles (0.033%); highest among the groups gnomAD compares: Non-Finnish European, 0.04%; 1 homozygote.

Submissions (9):

Labcorp Genetics (formerly Invitae), Labcorp
Classification: Likely benign for Supravalvar aortic stenosis. Last evaluated: 2025-12-22. Review status: criteria provided, single submitter. Criteria: Invitae Variant Classification Sherloc (09022015). Collection method: clinical testing. Allele origin: germline.

Blueprint Genetics
Classification: Likely benign. Last evaluated: 2024-05-02. Review status: criteria provided, single submitter. Criteria: ACMG Guidelines, 2015. Collection method: clinical testing. Allele origin: germline.

CeGaT Center for Human Genetics Tuebingen
Classification: Likely benign. Last evaluated: 2023-04-01. Review status: criteria provided, single submitter. Criteria: CeGaT Center For Human Genetics Tuebingen Variant Classification Criteria Version 2. Collection method: clinical testing. Allele origin: germline. Affected: yes. Observed: 1 variant allele.
Comment: ELN: BP4, BP7

GeneDx
Classification: Likely benign. Last evaluated: 2021-03-23. Review status: criteria provided, single submitter. Criteria: GeneDx Variant Classification Process June 2021. Collection method: clinical testing. Allele origin: germline. Affected: yes.

Illumina Laboratory Services, Illumina
Classification: Uncertain significance for Supravalvar aortic stenosis. Last evaluated: 2018-01-13. Review status: criteria provided, single submitter. Criteria: ICSL Variant Classification Criteria 13 December 2019. Collection method: clinical testing. Allele origin: germline.

Illumina Laboratory Services, Illumina
Classification: Likely benign for Cutis laxa, autosomal dominant 1. Last evaluated: 2018-01-13. Review status: criteria provided, single submitter. Criteria: ICSL Variant Classification Criteria 13 December 2019. Collection method: clinical testing. Allele origin: germline.
Comment: This variant was observed in the ICSL laboratory as part of a predisposition screen in an ostensibly healthy population. It had not been previously curated by ICSL or reported in the Human Gene Mutation Database (HGMD: prior to June 1st, 2018), and was therefore a candidate for classification through an automated scoring system. Utilizing variant allele frequency, disease prevalence and penetrance estimates, and inheritance mode, an automated score was calculated to assess if this variant is too frequent to cause the disease. Based on the score and internal cut-off values, a variant classified as likely benign is not then subjected to further curation. The score for this variant resulted in a classification of likely benign for this disease.

PreventionGenetics, part of Exact Sciences
Classification: Likely benign for ELN-related condition. Last evaluated: 2023-11-10. Review status: no assertion criteria provided. Collection method: clinical testing. Allele origin: germline. Not counted in ClinVar's aggregate classification.
Comment: This variant is classified as likely benign based on ACMG/AMP sequence variant interpretation guidelines (Richards et al. 2015 PMID: 25741868, with internal and published modifications).

Clinical Genetics DNA and cytogenetics Diagnostics Lab, Erasmus MC, Erasmus Medical Center
Classification: Likely benign. Review status: no assertion criteria provided. Collection method: clinical testing. Allele origin: germline. Affected: yes. Study: VKGL Data-share Consensus. Not counted in ClinVar's aggregate classification.

Genome Diagnostics Laboratory, Amsterdam University Medical Center
Classification: Likely benign. Review status: no assertion criteria provided. Collection method: clinical testing. Allele origin: germline. Affected: yes. Study: VKGL Data-share Consensus. Not counted in ClinVar's aggregate classification.

NM_000501.4(ELN):c.861G>A (p.Gly287=)

Gene: ELN (elastin; plus strand). Cytogenetic location: 7q11.23.
Variant type: single nucleotide variant.
Coding change: c.861G>A on transcript NM_000501.4 (MANE Select); coding-DNA position 861, G replaced by A.
Protein change: p.Gly287=; no amino-acid change (glycine 287 retained).
Molecular consequence: synonymous variant.
Genome position (GRCh38, 1-based): chr7:74,051,811, G>A. VCF-style: chr7-74051811-G-A. GRCh37 (hg19) VCF-style: chr7-73466141-G-A.
Other names: c.831G>A, p.Gly277= (NM_001081752.3, NM_001278917.2); c.876G>A, p.Gly292= (NM_001081753.3, NM_001081754.3); c.861G>A, p.Gly287= (NM_001081755.3, NM_001278912.2, NM_001278915.2 and 1 more transcripts); c.753G>A, p.Gly251= (NM_001278913.2); c.846G>A, p.Gly282= (NM_001278914.2); c.819G>A, p.Gly273= (NM_001278916.2); c.729G>A, p.Gly243= (NM_001278918.2).
Identifiers: ClinVar variation 360638 (VCV000360638.48), dbSNP rs368610108, ClinGen allele CA4292726.
Genomic context (GRCh38, chr7:74,051,811, plus strand): 5'-TGCTGGAGCAGCCGGAGTCCTCCCTGGTGTTGGAGGGGCTGGTGTTCCTGGCGTGCCTGG[G>A]GCAATTCCTGGAATTGGAGGCATCGCAGGTAACATCTGTCCCAGCAGGGGGCGGGTGTGT-3'
Protein context (NP_000492.2, residues 277-297): VGGAGVPGVP[Gly287=]AIPGIGGIAG